The following is an entry in ClinVar:

ClinVar aggregate classification (germline): Uncertain significance. Review status: criteria provided, multiple submitters, no conflicts (2 of 4 stars). 2 submissions from 2 submitters: Uncertain significance (2). Last evaluated 2022-07-15.

Conditions:
Shwachman-Diamond syndrome 2. Identifiers: MedGen C4693704, MONDO:0044205, OMIM 617941.

Allele frequency attached by ClinVar (database versions not stated): gnomAD exomes 0.00001.
gnomAD v4.1: 5 of 1,613,006 alleles (0.00031%); highest among the groups gnomAD compares: Non-Finnish European, 0.00034%; no homozygotes.

Submissions (2):

Labcorp Genetics (formerly Invitae), Labcorp
Classification: Uncertain significance. Last evaluated: 2022-07-15. Review status: criteria provided, single submitter. Criteria: Invitae Variant Classification Sherloc (09022015). Collection method: clinical testing. Allele origin: germline.
Comment: This variant is present in population databases (rs775430621, gnomAD 0.002%). This sequence change replaces isoleucine, which is neutral and non-polar, with asparagine, which is neutral and polar, at codon 411 of the EFL1 protein (p.Ile411Asn). This variant has not been reported in the literature in individuals affected with EFL1-related conditions. In summary, the available evidence is currently insufficient to determine the role of this variant in disease. Therefore, it has been classified as a Variant of Uncertain Significance. Algorithms developed to predict the effect of missense changes on protein structure and function are either unavailable or do not agree on the potential impact of this missense change (SIFT: "Deleterious"; PolyPhen-2: "Possibly Damaging"; Align-GVGD: "Class C0"). ClinVar contains an entry for this variant (Variation ID: 636244).

Undiagnosed Diseases Network, NIH
Classification: Uncertain significance for Shwachman-Diamond syndrome 2. Last evaluated: 2018-10-02. Review status: criteria provided, single submitter. Criteria: ACMG Guidelines, 2015. Collection method: clinical testing. Allele origin: paternal. Inheritance: Autosomal recessive inheritance. Affected: yes. Observed: 1 variant allele, 1 compound heterozygote.

NM_024580.6(EFL1):c.1232T>A (p.Ile411Asn)

Gene: EFL1 (elongation factor like GTPase 1; minus strand). Cytogenetic location: 15q25.2.
Variant type: single nucleotide variant.
Coding change: c.1232T>A on transcript NM_024580.6 (MANE Select); coding-DNA position 1232, T replaced by A.
Protein change: p.Ile411Asn; replaces isoleucine 411 with asparagine.
Molecular consequence: missense variant. On other transcripts: non-coding transcript variant (1).
Genome position (GRCh38, 1-based): chr15:82,225,225, A>T on the plus strand (T>A on the coding strand, the complement: EFL1 is on the minus strand). VCF-style: chr15-82225225-A-T. GRCh37 (hg19) VCF-style: chr15-82517566-A-T.
Other names: c.1079T>A, p.Ile360Asn (NM_001040610.3); c.443T>A, p.Ile148Asn (NM_001322844.2); c.1232T>A, p.Ile411Asn (NM_001322845.2); short protein forms I411N, I360N, I148N.
Identifiers: ClinVar variation 636244 (VCV000636244.8), dbSNP rs775430621, ClinGen allele CA273426730.